The following is an entry in ClinVar:

NM_012193.4(FZD4):c.107G>A (p.Gly36Asp)

Gene: FZD4 (frizzled class receptor 4; minus strand). Cytogenetic location: 11q14.2.
Variant type: single nucleotide variant.
Coding change: c.107G>A on transcript NM_012193.4 (MANE Select); coding-DNA position 107, G replaced by A.
Protein change: p.Gly36Asp; replaces glycine 36 with aspartic acid.
Molecular consequence: missense variant.
Genome position (GRCh38, 1-based): chr11:86,954,979, C>T on the plus strand (G>A on the coding strand, the complement: FZD4 is on the minus strand). VCF-style: chr11-86954979-C-T. GRCh37 (hg19) VCF-style: chr11-86666021-C-T.
Other names: short protein forms G36D.
Identifiers: ClinVar variation 2137216 (VCV002137216.4), dbSNP rs80358281, ClinGen allele CA225383283.

ClinVar aggregate classification (germline): Uncertain significance (1 of 4 stars; one submission).

Allele frequency attached by ClinVar (database versions not stated): TOPMed below 0.00001; gnomAD 0.00001; gnomAD exomes 0.00001.
gnomAD v4.1: 8 of 1,613,014 alleles (0.0005%); highest among the groups gnomAD compares: Non-Finnish European, 0.00068%; no homozygotes.

Submission:

Labcorp Genetics (formerly Invitae), Labcorp
Classification: Uncertain significance. Last evaluated: 2025-12-26. Review status: criteria provided, single submitter. Criteria: Invitae Variant Classification Sherloc (09022015). Collection method: clinical testing. Allele origin: germline.
Comment: This sequence change replaces glycine, which is neutral and non-polar, with aspartic acid, which is acidic and polar, at codon 36 of the FZD4 protein (p.Gly36Asp). This variant is not present in population databases (gnomAD no frequency). This missense change has been observed in individual(s) with familial exudative vitreoretinopathy (PMID: 15223780, 27555740, 35394490). ClinVar contains an entry for this variant (Variation ID: 2137216). Invitae Evidence Modeling of protein sequence and biophysical properties (such as structural, functional, and spatial information, amino acid conservation, physicochemical variation, residue mobility, and thermodynamic stability) indicates that this missense variant is not expected to disrupt FZD4 protein function with a negative predictive value of 80%. In summary, the available evidence is currently insufficient to determine the role of this variant in disease. Therefore, it has been classified as a Variant of Uncertain Significance.

Literature cited by the submitters: PubMed 15223780; PubMed 27555740; PubMed 35394490.